The following is an entry in ClinVar:

ClinVar aggregate classification (germline): Likely benign. Review status: criteria provided, multiple submitters, no conflicts (2 of 4 stars). 3 submissions from 3 submitters: Likely benign (3). Last evaluated 2025-10-07.

Submissions (3):

Mayo Clinic Laboratories, Mayo Clinic
Classification: Likely benign. Last evaluated: 2025-10-07. Review status: criteria provided, single submitter. Criteria: ACMG Guidelines, 2015. Collection method: clinical testing. Allele origin: germline. Observed: 1 variant allele.
Comment: BP4, BP7, PM2_supporting

Labcorp Genetics (formerly Invitae), Labcorp
Classification: Likely benign. Last evaluated: 2025-06-03. Review status: criteria provided, single submitter. Criteria: Invitae Variant Classification Sherloc (09022015). Collection method: clinical testing. Allele origin: germline.

Blueprint Genetics
Classification: Likely benign. Last evaluated: 2024-01-10. Review status: criteria provided, single submitter. Criteria: ACMG Guidelines, 2015. Collection method: clinical testing. Allele origin: germline.

NM_015909.4(NBAS):c.12C>A (p.Pro4=)

Genes: NBAS (NBAS subunit of NRZ tethering complex; minus strand), LOC129933155 (ATAC-STARR-seq lymphoblastoid active region 15346; plus strand). Cytogenetic location: 2p24.3.
Variant type: single nucleotide variant.
Coding change: c.12C>A on transcript NM_015909.4 (MANE Select); coding-DNA position 12, C replaced by A.
Protein change: p.Pro4=; no amino-acid change (proline 4 retained).
Molecular consequence: synonymous variant. On other transcripts: non-coding transcript variant (1).
Genome position (GRCh38, 1-based): chr2:15,561,293, G>T on the plus strand (C>A on the coding strand, the complement: NBAS is on the minus strand). VCF-style: chr2-15561293-G-T. GRCh37 (hg19) VCF-style: chr2-15701417-G-T.
Other names: p.Pro4=.
Identifiers: ClinVar variation 4684488 (VCV004684488.3).